The following is an entry in ClinVar:

ClinVar aggregate classification (germline): Uncertain significance (1 of 4 stars; one submission).

Conditions:
Early-infantile DEE. Also called: Early infantile epileptic encephalopathy; Early infantile epileptic encephalopathy with suppression bursts; Ohtahara syndrome. Identifiers: Orphanet 1934, MedGen C0393706, MONDO:0800491.

Submission:

Labcorp Genetics (formerly Invitae), Labcorp
Classification: Uncertain significance for Early-infantile DEE. Last evaluated: 2026-01-21. Review status: criteria provided, single submitter. Criteria: Invitae Variant Classification Sherloc (09022015). Collection method: clinical testing. Allele origin: germline.
Comment: This sequence change falls in intron 21 of the SCN1A gene. It does not directly change the encoded amino acid sequence of the SCN1A protein. This variant is not present in population databases (gnomAD no frequency). This variant has not been reported in the literature in individuals affected with SCN1A-related conditions. Algorithms developed to predict the effect of sequence changes on RNA splicing suggest that this variant may disrupt the consensus splice site. In summary, the available evidence is currently insufficient to determine the role of this variant in disease. Therefore, it has been classified as a Variant of Uncertain Significance.

NM_001165963.4(SCN1A):c.4285-13T>A

Genes: SCN1A (sodium voltage-gated channel alpha subunit 1; minus strand), LOC102724058 (uncharacterized LOC102724058; plus strand). Cytogenetic location: 2q24.3.
Variant type: single nucleotide variant.
Coding change: c.4285-13T>A on transcript NM_001165963.4 (MANE Select); 13 bases into the intron before coding-DNA position 4285, T replaced by A.
Molecular consequence: intron variant.
Genome position (GRCh38, 1-based): chr2:165,999,789, A>T on the plus strand (T>A on the coding strand, the complement: SCN1A is on the minus strand). VCF-style: chr2-165999789-A-T. GRCh37 (hg19) VCF-style: chr2-166856299-A-T.
Other names: c.4252-13T>A (NM_001353949.2, NM_001353950.2, NM_001353951.2 and 2 more transcripts); c.4201-13T>A (NM_001353958.2, NM_001353957.2, NM_001165964.3); c.4285-13T>A (NM_001202435.3, NM_001353948.2); c.4249-13T>A (NM_001353955.2, NM_001353954.2); c.4198-13T>A (NM_001353960.2); c.1843-13T>A (NM_001353961.2).
Identifiers: ClinVar variation 4735909 (VCV004735909.1).
Genomic context (GRCh38, chr2:165,999,789, plus strand): 5'-GGAATCAACTGCTGCATACATTATATCCATCCATCCTTTGAATGTGGCCTATTAAGAAGG[A>T]CATGCATGTTTTACTTTGGAGTAAAAATAATTTAGACCTGATGTTTAATAAATATTCTTA-3'